The following is an entry in ClinVar:

ClinVar aggregate classification (germline): Uncertain significance (1 of 4 stars; one submission).

Conditions:
Neuropathy, hereditary sensory and autonomic, type 2A (HSAN2A). Also called: WNK1-Related HSAN2 (HSAN2A); MORVAN DISEASE; NEUROPATHY, CONGENITAL SENSORY; NEUROPATHY, HEREDITARY SENSORY RADICULAR, AUTOSOMAL RECESSIVE; NEUROPATHY, HEREDITARY SENSORY, TYPE IIA; NEUROPATHY, PROGRESSIVE SENSORY, OF CHILDREN. Identifiers: Orphanet 970, MedGen C2752089, MONDO:0024309, OMIM 201300.
Pseudohypoaldosteronism type 2C (PHA2C). Also called: Pseudohypoaldosteronism Type IIC. Identifiers: Orphanet 757, Orphanet 88940, MedGen C1840391, MONDO:0013778, OMIM 614492.

Submission:

Labcorp Genetics (formerly Invitae), Labcorp
Classification: Uncertain significance for Neuropathy, hereditary sensory and autonomic, type 2A; Pseudohypoaldosteronism type 2C. Last evaluated: 2022-03-08. Review status: criteria provided, single submitter. Criteria: Invitae Variant Classification Sherloc (09022015). Collection method: clinical testing. Allele origin: germline.
Comment: In summary, the available evidence is currently insufficient to determine the role of this variant in disease. Therefore, it has been classified as a Variant of Uncertain Significance. Advanced modeling of protein sequence and biophysical properties (such as structural, functional, and spatial information, amino acid conservation, physicochemical variation, residue mobility, and thermodynamic stability) performed at Invitae indicates that this missense variant is not expected to disrupt WNK1 protein function. This variant has not been reported in the literature in individuals affected with WNK1-related conditions. This variant is not present in population databases (gnomAD no frequency). This sequence change replaces serine, which is neutral and polar, with threonine, which is neutral and polar, at codon 33 of the WNK1 protein (p.Ser33Thr).

NM_018979.4(WNK1):c.97T>A (p.Ser33Thr)

Gene: WNK1 (WNK lysine deficient protein kinase 1; plus strand). Cytogenetic location: 12p13.33.
Variant type: single nucleotide variant.
Coding change: c.97T>A on transcript NM_018979.4 (MANE Select); coding-DNA position 97, T replaced by A.
Protein change: p.Ser33Thr; replaces serine 33 with threonine.
Molecular consequence: missense variant.
Genome position (GRCh38, 1-based): chr12:753,662, T>A. VCF-style: chr12-753662-T-A. GRCh37 (hg19) VCF-style: chr12-862828-T-A.
Other names: c.97T>A, p.Ser33Thr (NM_001184985.2, NM_014823.3, NM_213655.5); short protein forms S33T.
Identifiers: ClinVar variation 1351636 (VCV001351636.6), dbSNP rs2120997689, ClinGen allele CA383303626.